The following is an entry in ClinVar:

ClinVar aggregate classification (germline): Uncertain significance (1 of 4 stars; one submission).

Conditions:
Oto-palato-digital syndrome, type II (OPD2). Also called: Otopalatodigital Syndrome Type 2 (FLNA-OPD2); FACIOPALATOOSSEOUS SYNDROME; OPD II SYNDROME; Otopalatodigital Syndrome, Type II. Identifiers: Orphanet 669, Orphanet 90652, MedGen C1844696, MONDO:0010571, OMIM 304120.
Heterotopia, periventricular, X-linked dominant (PVNH1). Also called: PERIVENTRICULAR NODULAR HETEROTOPIA 1; X-linked periventricular heterotopia; PERIVENTRICULAR NODULAR HETEROTOPIA 4; HETEROTOPIA, PERIVENTRICULAR, 1. Identifiers: Orphanet 2149, Orphanet 82004, MedGen C1848213, MONDO:0010233, OMIM 300049.
Melnick-Needles syndrome (MNS). Also called: Melnick-Needles Syndrome (FLNA-MNS); MELNICK-NEEDLES OSTEODYSPLASTY; OSTEODYSPLASTY OF MELNICK AND NEEDLES. Identifiers: Orphanet 2484, MedGen C0025237, MONDO:0010650, OMIM 309350.
Frontometaphyseal dysplasia (FMD1). Identifiers: Orphanet 1826, MedGen C0265293, MONDO:0015942.

Submission:

Labcorp Genetics (formerly Invitae), Labcorp
Classification: Uncertain significance for Oto-palato-digital syndrome, type II; Heterotopia, periventricular, X-linked dominant; Frontometaphyseal dysplasia; Melnick-Needles syndrome. Last evaluated: 2023-12-25. Review status: criteria provided, single submitter. Criteria: Invitae Variant Classification Sherloc (09022015). Collection method: clinical testing. Allele origin: germline.
Comment: This sequence change replaces isoleucine, which is neutral and non-polar, with valine, which is neutral and non-polar, at codon 1702 of the FLNA protein (p.Ile1702Val). This variant is not present in population databases (gnomAD no frequency). This variant has not been reported in the literature in individuals affected with FLNA-related conditions. Advanced modeling of protein sequence and biophysical properties (such as structural, functional, and spatial information, amino acid conservation, physicochemical variation, residue mobility, and thermodynamic stability) performed at Invitae indicates that this missense variant is not expected to disrupt FLNA protein function with a negative predictive value of 95%. In summary, the available evidence is currently insufficient to determine the role of this variant in disease. Therefore, it has been classified as a Variant of Uncertain Significance.

NM_001110556.2(FLNA):c.5128A>G (p.Ile1710Val)

Gene: FLNA (filamin A; minus strand). Cytogenetic location: Xq28.
Variant type: single nucleotide variant.
Coding change: c.5128A>G on transcript NM_001110556.2 (MANE Select); coding-DNA position 5128, A replaced by G.
Protein change: p.Ile1710Val; replaces isoleucine 1710 with valine.
Molecular consequence: missense variant.
Genome position (GRCh38, 1-based): chrX:154,354,914, T>C on the plus strand (A>G on the coding strand, the complement: FLNA is on the minus strand). VCF-style: chrX-154354914-T-C. GRCh37 (hg19) VCF-style: chrX-153583282-T-C.
Other names: c.5104A>G, p.Ile1702Val (NM_001456.4); short protein forms I1710V, I1702V.
Identifiers: ClinVar variation 2921705 (VCV002921705.3), dbSNP rs2522728411, ClinGen allele CA415207672.